The following is an entry in ClinVar:

NM_005589.4(ALDH6A1):c.809T>G (p.Phe270Cys)

Genes: ALDH6A1 (aldehyde dehydrogenase 6 family member A1; minus strand), BBOF1 (basal body orientation factor 1; plus strand). Cytogenetic location: 14q24.3.
Variant type: single nucleotide variant.
Coding change: c.809T>G on transcript NM_005589.4 (MANE Select); coding-DNA position 809, T replaced by G.
Protein change: p.Phe270Cys; replaces phenylalanine 270 with cysteine.
Molecular consequence: missense variant.
Genome position (GRCh38, 1-based): chr14:74,068,903, A>C on the plus strand (T>G on the coding strand, the complement: ALDH6A1 is on the minus strand). VCF-style: chr14-74068903-A-C. GRCh37 (hg19) VCF-style: chr14-74535606-A-C.
Other names: c.770T>G, p.Phe257Cys (NM_001278593.2); c.347T>G, p.Phe116Cys (NM_001278594.2); short protein forms F257C, F116C, F270C.
Identifiers: ClinVar variation 1949804 (VCV001949804.2), dbSNP rs769552036, ClinGen allele CA390369949.

ClinVar aggregate classification (germline): Uncertain significance (1 of 4 stars; one submission).

gnomAD v4.1: 2 of 1,614,056 alleles (0.00012%); no homozygotes.

Submission:

Labcorp Genetics (formerly Invitae), Labcorp
Classification: Uncertain significance. Last evaluated: 2022-10-17. Review status: criteria provided, single submitter. Criteria: Invitae Variant Classification Sherloc (09022015). Collection method: clinical testing. Allele origin: germline.
Comment: This sequence change replaces phenylalanine, which is neutral and non-polar, with cysteine, which is neutral and slightly polar, at codon 270 of the ALDH6A1 protein (p.Phe270Cys). This variant is present in population databases (no rsID available, gnomAD no frequency). This variant has not been reported in the literature in individuals affected with ALDH6A1-related conditions. Advanced modeling of protein sequence and biophysical properties (such as structural, functional, and spatial information, amino acid conservation, physicochemical variation, residue mobility, and thermodynamic stability) performed at Invitae indicates that this missense variant is not expected to disrupt ALDH6A1 protein function. In summary, the available evidence is currently insufficient to determine the role of this variant in disease. Therefore, it has been classified as a Variant of Uncertain Significance.